The following is an entry in ClinVar:

ClinVar aggregate classification (germline): Uncertain significance (1 of 4 stars; one submission).

Conditions:
Noonan syndrome (NS). Also called: Noonan's syndrome. Identifiers: Orphanet 648, MedGen C0028326, MeSH D009634, MONDO:0018997. Disease mechanism: gain of function.

Submission:

Labcorp Genetics (formerly Invitae), Labcorp
Classification: Uncertain significance for Noonan syndrome. Last evaluated: 2024-12-20. Review status: criteria provided, single submitter. Criteria: Invitae Variant Classification Sherloc (09022015). Collection method: clinical testing. Allele origin: germline.
Comment: This sequence change creates a premature translational stop signal (p.Gln96*) in the RRAS gene. It is expected to result in an absent or disrupted protein product. However, the current clinical and genetic evidence is not sufficient to establish whether loss-of-function variants in RRAS cause disease. This variant is not present in population databases (gnomAD no frequency). This variant has not been reported in the literature in individuals affected with RRAS-related conditions. In summary, the available evidence is currently insufficient to determine the role of this variant in disease. Therefore, it has been classified as a Variant of Uncertain Significance.

NM_006270.5(RRAS):c.286C>T (p.Gln96Ter)

Gene: RRAS (RAS related; minus strand). Cytogenetic location: 19q13.33.
Variant type: single nucleotide variant.
Coding change: c.286C>T on transcript NM_006270.5 (MANE Select); coding-DNA position 286, C replaced by T.
Protein change: p.Gln96Ter; replaces glutamine 96 with a stop codon.
Molecular consequence: nonsense.
Genome position (GRCh38, 1-based): chr19:49,636,882, G>A on the plus strand (C>T on the coding strand, the complement: RRAS is on the minus strand). VCF-style: chr19-49636882-G-A. GRCh37 (hg19) VCF-style: chr19-50140139-G-A.
Other names: short protein forms Q96*.
Identifiers: ClinVar variation 3673559 (VCV003673559.2).